The following is an entry in ClinVar:

ClinVar aggregate classification (germline): Uncertain significance. Review status: criteria provided, multiple submitters, no conflicts (2 of 4 stars). 3 submissions from 3 submitters: Uncertain significance (3). Last evaluated 2025-06-02.

Conditions:
Inborn genetic diseases. Identifiers: MedGen C0950123, MeSH D030342.
Dyskeratosis congenita. Identifiers: Orphanet 1775, MedGen C0265965, MONDO:0015780.

Allele frequency attached by ClinVar (database versions not stated): gnomAD exomes below 0.00001 and 0.00001; ExAC 0.00001; gnomAD 0.00006 and 0.00007; TOPMed 0.00007; 1000 Genomes Project 0.00020; 1000 Genomes Project 30x 0.00031.
gnomAD v4.1: 14 of 1,614,186 alleles (0.00087%); highest among the groups gnomAD compares: Admixed American, 0.018%; no homozygotes.

Submissions (3):

GeneDx
Classification: Uncertain significance. Last evaluated: 2025-06-02. Review status: criteria provided, single submitter. Criteria: GeneDx Variant Classification Process June 2021. Collection method: clinical testing. Allele origin: germline. Affected: yes.
Comment: Not observed at significant frequency in large population cohorts (gnomAD); In silico analysis suggests that this missense variant does not alter protein structure/function; Has not been previously published as pathogenic or benign to our knowledge

Labcorp Genetics (formerly Invitae), Labcorp
Classification: Uncertain significance for Dyskeratosis congenita. Last evaluated: 2024-10-15. Review status: criteria provided, single submitter. Criteria: Invitae Variant Classification Sherloc (09022015). Collection method: clinical testing. Allele origin: germline.
Comment: This sequence change replaces valine, which is neutral and non-polar, with methionine, which is neutral and non-polar, at codon 1113 of the CTC1 protein (p.Val1113Met). This variant is present in population databases (rs543241073, gnomAD 0.0009%). This variant has not been reported in the literature in individuals affected with CTC1-related conditions. ClinVar contains an entry for this variant (Variation ID: 1415586). Invitae Evidence Modeling of protein sequence and biophysical properties (such as structural, functional, and spatial information, amino acid conservation, physicochemical variation, residue mobility, and thermodynamic stability) has been performed for this missense variant. However, the output from this modeling did not meet the statistical confidence thresholds required to predict the impact of this variant on CTC1 protein function. In summary, the available evidence is currently insufficient to determine the role of this variant in disease. Therefore, it has been classified as a Variant of Uncertain Significance.

Ambry Genetics
Classification: Uncertain significance for Inborn genetic diseases. Last evaluated: 2023-12-09. Review status: criteria provided, single submitter. Criteria: Ambry Variant Classification Scheme 2023. Collection method: clinical testing. Allele origin: germline.

NM_025099.6(CTC1):c.3337G>A (p.Val1113Met)

Gene: CTC1 (CST telomere replication complex component 1; minus strand). Cytogenetic location: 17p13.1.
Variant type: single nucleotide variant.
Coding change: c.3337G>A on transcript NM_025099.6 (MANE Select); coding-DNA position 3337, G replaced by A.
Protein change: p.Val1113Met; replaces valine 1113 with methionine.
Molecular consequence: missense variant. On other transcripts: non-coding transcript variant (1).
Genome position (GRCh38, 1-based): chr17:8,228,777, C>T on the plus strand (G>A on the coding strand, the complement: CTC1 is on the minus strand). VCF-style: chr17-8228777-C-T. GRCh37 (hg19) VCF-style: chr17-8132095-C-T.
Other names: c.3337G>A (NM_025099.5); short protein forms V1113M.
Identifiers: ClinVar variation 1415586 (VCV001415586.6), dbSNP rs543241073, ClinGen allele CA8371806.
Genomic context (GRCh38, chr17:8,228,777, plus strand): 5'-CACATTACACCTCAAGTTGGGCTCCAGGCCCTGCAAACTGCAAGACCACTCTGCCTGGCA[C>T]TTGGACGAAATCTAGGAGGGAGGCCCACTCTCTAGGACACAGCCCTAGTGCTGCTGCCAC-3'
Protein context (NP_079375.3, residues 1103-1123): EWASLLDFVQ[Val1113Met]PGRVVLQFAG